The following is an entry in ClinVar:

ClinVar aggregate classification (germline): Benign (0 of 4 stars; one submission).

Conditions:
KRT75-related disorder. Also called: KRT75-related condition.

Allele frequency attached by ClinVar (database versions not stated): ESP Exome Variant Server 0.14578; TOPMed 0.15610; 1000 Genomes Project 30x 0.16084; 1000 Genomes Project 0.16294.
gnomAD v4.1: 266,353 of 1,613,980 alleles (17%); highest among the groups gnomAD compares: Admixed American, 26%; 22,905 homozygotes.

Submission:

PreventionGenetics, part of Exact Sciences
Classification: Benign for KRT75-related condition. Last evaluated: 2019-10-23. Review status: no assertion criteria provided. Collection method: clinical testing. Allele origin: germline.
Comment: This variant is classified as benign based on ACMG/AMP sequence variant interpretation guidelines (Richards et al. 2015 PMID: 25741868, with internal and published modifications).

NM_004693.3(KRT75):c.1580G>A (p.Arg527Gln)

Gene: KRT75 (keratin 75; minus strand). Cytogenetic location: 12q13.13.
Variant type: single nucleotide variant.
Coding change: c.1580G>A on transcript NM_004693.3 (MANE Select); coding-DNA position 1580, G replaced by A.
Protein change: p.Arg527Gln; replaces arginine 527 with glutamine.
Molecular consequence: missense variant.
Genome position (GRCh38, 1-based): chr12:52,424,593, C>T on the plus strand (G>A on the coding strand, the complement: KRT75 is on the minus strand). VCF-style: chr12-52424593-C-T. GRCh37 (hg19) VCF-style: chr12-52818377-C-T.
Other names: short protein forms R527Q.
Identifiers: ClinVar variation 3059432 (VCV003059432.2), dbSNP rs61730614, ClinGen allele CA6579690.